The following is an entry in ClinVar:

NM_001082486.2(ACD):c.-36C>A

Gene: ACD (ACD shelterin complex subunit and telomerase recruitment factor; minus strand). Cytogenetic location: 16q22.1.
Variant type: single nucleotide variant.
Coding change: c.-36C>A on transcript NM_001082486.2 (MANE Select); 36 bases upstream of the start codon, C replaced by A.
Molecular consequence: 5 prime UTR variant.
Genome position (GRCh38, 1-based): chr16:67,660,256, G>T on the plus strand (C>A on the coding strand, the complement: ACD is on the minus strand). VCF-style: chr16-67660256-G-T. GRCh37 (hg19) VCF-style: chr16-67694159-G-T.
Other names: c.-36C>A (NM_022914.3).
Identifiers: ClinVar variation 1480022 (VCV001480022.6), dbSNP rs762184098, ClinGen allele CA8114867.

ClinVar aggregate classification (germline): Uncertain significance (1 of 4 stars; one submission).

Conditions:
Dyskeratosis congenita, autosomal dominant 6 (DKCA6). Identifiers: Orphanet 3322, MedGen C4225284, MONDO:0014690, OMIM 616553.

Allele frequency attached by ClinVar (database versions not stated): gnomAD exomes below 0.00001; ExAC 0.00001.

Submission:

Labcorp Genetics (formerly Invitae), Labcorp
Classification: Uncertain significance for Dyskeratosis congenita, autosomal dominant 6. Last evaluated: 2021-10-14. Review status: criteria provided, single submitter. Criteria: Invitae Variant Classification Sherloc (09022015). Collection method: clinical testing. Allele origin: germline.
Comment: This variant is present in population databases (rs762184098, ExAC 0.01%). This sequence change replaces proline with threonine at codon 75 of the ACD protein (p.Pro75Thr). The proline residue is weakly conserved and there is a small physicochemical difference between proline and threonine. In summary, the available evidence is currently insufficient to determine the role of this variant in disease. Therefore, it has been classified as a Variant of Uncertain Significance. Algorithms developed to predict the effect of missense changes on protein structure and function (SIFT, PolyPhen-2, Align-GVGD) all suggest that this variant is likely to be tolerated. This variant has not been reported in the literature in individuals affected with ACD-related conditions.